The following is an entry in ClinVar:

ClinVar aggregate classification (germline): Uncertain significance (1 of 4 stars; one submission).

gnomAD v4.1: 1 of 1,211,673 alleles (0.000083%); highest among the groups gnomAD compares: South Asian, 0.0018%; no homozygotes.

Submission:

GeneDx
Classification: Uncertain significance. Last evaluated: 2023-01-24. Review status: criteria provided, single submitter. Criteria: GeneDx Variant Classification Process June 2021. Collection method: clinical testing. Allele origin: germline. Affected: yes.
Comment: Not observed at significant frequency in large population cohorts (gnomAD); In silico analysis supports that this missense variant has a deleterious effect on protein structure/function; Has not been previously published as pathogenic or benign to our knowledge

NM_001099922.3(ALG13):c.2324A>T (p.Lys775Ile)

Gene: ALG13 (ALG13 UDP-N-acetylglucosaminyltransferase subunit; plus strand). Cytogenetic location: Xq23.
Variant type: single nucleotide variant.
Coding change: c.2324A>T on transcript NM_001099922.3 (MANE Select); coding-DNA position 2324, A replaced by T.
Protein change: p.Lys775Ile; replaces lysine 775 with isoleucine.
Molecular consequence: missense variant. On other transcripts: non-coding transcript variant (1).
Genome position (GRCh38, 1-based): chrX:111,728,261, A>T. VCF-style: chrX-111728261-A-T. GRCh37 (hg19) VCF-style: chrX-110971489-A-T.
Other names: c.2090A>T, p.Lys697Ile (NM_001257231.2); c.2012A>T, p.Lys671Ile (NM_001257234.2, NM_001257237.2, NM_001257230.2); c.2324A>T, p.Lys775Ile (NM_001324292.2); c.1838A>T, p.Lys613Ile (NM_001324293.1); short protein forms K613I, K671I, K697I, K775I.
Identifiers: ClinVar variation 2573907 (VCV002573907.1), dbSNP rs766946325, ClinGen allele CA414253778.
Genomic context (GRCh38, chrX:111,728,261, plus strand): 5'-CTACAATGGTTCCTGCTACTTCAGGATACTGTGTTGGAAGGCGGGGACATAGCTCAGGCA[A>T]ACAGACTTTGAATTTAGAGGAGGGCAATGGCCAGAGTGAAAATGGTGAGTCAATTACAGT-3'
Protein context (NP_001093392.1, residues 765-785): CVGRRGHSSG[Lys775Ile]QTLNLEEGNG